The following is an entry in ClinVar:

NM_001110556.2(FLNA):c.3940G>C (p.Asp1314His)

Gene: FLNA (filamin A; minus strand). Cytogenetic location: Xq28.
Variant type: single nucleotide variant.
Coding change: c.3940G>C on transcript NM_001110556.2 (MANE Select); coding-DNA position 3940, G replaced by C.
Protein change: p.Asp1314His; replaces aspartic acid 1314 with histidine.
Molecular consequence: missense variant.
Genome position (GRCh38, 1-based): chrX:154,359,771, C>G on the plus strand (G>C on the coding strand, the complement: FLNA is on the minus strand). VCF-style: chrX-154359771-C-G. GRCh37 (hg19) VCF-style: chrX-153588139-C-G.
Other names: c.3940G>C, p.Asp1314His (NM_001456.4); short protein forms D1314H.
Identifiers: ClinVar variation 3749480 (VCV003749480.2).

ClinVar aggregate classification (germline): Uncertain significance (1 of 4 stars; one submission).

Conditions:
Melnick-Needles syndrome (MNS). Also called: MELNICK-NEEDLES OSTEODYSPLASTY; OSTEODYSPLASTY OF MELNICK AND NEEDLES; Melnick-Needles Syndrome (FLNA-MNS). Identifiers: Orphanet 2484, MedGen C0025237, MONDO:0010650, OMIM 309350.
Frontometaphyseal dysplasia (FMD1). Identifiers: Orphanet 1826, MedGen C0265293, MONDO:0015942.
Heterotopia, periventricular, X-linked dominant (PVNH1). Also called: PERIVENTRICULAR NODULAR HETEROTOPIA 1; X-linked periventricular heterotopia; PERIVENTRICULAR NODULAR HETEROTOPIA 4; HETEROTOPIA, PERIVENTRICULAR, 1. Identifiers: Orphanet 2149, Orphanet 82004, MedGen C1848213, MONDO:0010233, OMIM 300049.
Oto-palato-digital syndrome, type II (OPD2). Also called: FACIOPALATOOSSEOUS SYNDROME; OPD II SYNDROME; Otopalatodigital Syndrome, Type II; Otopalatodigital Syndrome Type 2 (FLNA-OPD2). Identifiers: Orphanet 669, Orphanet 90652, MedGen C1844696, MONDO:0010571, OMIM 304120.

Submission:

Labcorp Genetics (formerly Invitae), Labcorp
Classification: Uncertain significance for Oto-palato-digital syndrome, type II; Heterotopia, periventricular, X-linked dominant; Frontometaphyseal dysplasia; Melnick-Needles syndrome. Last evaluated: 2024-08-31. Review status: criteria provided, single submitter. Criteria: Invitae Variant Classification Sherloc (09022015). Collection method: clinical testing. Allele origin: germline.
Comment: This sequence change replaces aspartic acid, which is acidic and polar, with histidine, which is basic and polar, at codon 1314 of the FLNA protein (p.Asp1314His). This variant is not present in population databases (gnomAD no frequency). This variant has not been reported in the literature in individuals affected with FLNA-related conditions. Invitae Evidence Modeling of protein sequence and biophysical properties (such as structural, functional, and spatial information, amino acid conservation, physicochemical variation, residue mobility, and thermodynamic stability) indicates that this missense variant is not expected to disrupt FLNA protein function with a negative predictive value of 95%. In summary, the available evidence is currently insufficient to determine the role of this variant in disease. Therefore, it has been classified as a Variant of Uncertain Significance.